The following is an entry in ClinVar:

NM_004999.4(MYO6):c.3019C>T (p.Arg1007Cys)

Gene: MYO6 (myosin VI; plus strand). Cytogenetic location: 6q14.1.
Variant type: single nucleotide variant.
Coding change: c.3019C>T on transcript NM_004999.4 (MANE Select); coding-DNA position 3019, C replaced by T.
Protein change: p.Arg1007Cys; replaces arginine 1007 with cysteine.
Molecular consequence: missense variant. On other transcripts: non-coding transcript variant (1).
Genome position (GRCh38, 1-based): chr6:75,892,602, C>T. VCF-style: chr6-75892602-C-T. GRCh37 (hg19) VCF-style: chr6-76602319-C-T.
Other names: c.3019C>T, p.Arg1007Cys (NM_001300899.2, NM_001368136.1, NM_001368137.1 and 2 more transcripts); c.3004C>T, p.Arg1002Cys (NM_001368138.1); short protein forms R1002C, R1007C.
Identifiers: ClinVar variation 1334339 (VCV001334339.6), dbSNP rs143152727, ClinGen allele CA3897522.
Genomic context (GRCh38, chr6:75,892,602, plus strand): 5'-GCACAGCTGGCCCGACAGAAGGAGGAGGAATCCCAACAGCAAGCAGTTCTGGAGCAGGAG[C>T]GCAGGGACCGGGAGCTGGCCCTGAGGATTGCCCAGAGTGAAGCCGAGCTCATCAGTGATG-3'
Protein context (NP_004990.3, residues 997-1017): SQQQAVLEQE[Arg1007Cys]RDRELALRIA

ClinVar aggregate classification (germline): Uncertain significance. Review status: criteria provided, multiple submitters, no conflicts (2 of 4 stars). 3 submissions from 3 submitters: Uncertain significance (3). Last evaluated 2025-11-11.

Conditions:
MYO6-related disorder. Also called: MYO6-related condition; MYO6-related disorders.

Allele frequency attached by ClinVar (database versions not stated): ESP Exome Variant Server 0.00008; 1000 Genomes Project 30x 0.00016; 1000 Genomes Project 0.00020; ExAC 0.00001; gnomAD 0.00002; gnomAD exomes 0.00002; TOPMed 0.00007.
gnomAD v4.1: 28 of 1,613,540 alleles (0.0017%); highest among the groups gnomAD compares: Middle Eastern, 0.036%; no homozygotes.

Submissions (3):

GeneDx
Classification: Uncertain significance. Last evaluated: 2025-11-11. Review status: criteria provided, single submitter. Criteria: GeneDx Variant Classification Process June 2021. Collection method: clinical testing. Allele origin: germline. Affected: yes.
Comment: In silico analysis supports that this missense variant has a deleterious effect on protein structure/function; This variant is associated with the following publications: (PMID: 38844983)

PreventionGenetics, part of Exact Sciences
Classification: Uncertain significance for MYO6-related condition. Last evaluated: 2025-08-28. Review status: criteria provided, single submitter. Criteria: ACMG Guidelines, 2015. Collection method: clinical testing. Allele origin: germline.
Comment: The MYO6 c.3019C>T variant is predicted to result in the amino acid substitution p.Arg1007Cys. This variant has been reported in an individual with hearing loss, however additional potentially causative variants were also reported in this individual (Table 3, Tlili et al. 2024. PubMed ID: 38844983). This variant is reported in 0.012% of alleles in individuals of African descent in gnomAD. At this time, the clinical significance of this variant is uncertain due to the absence of conclusive functional and genetic evidence.

Blueprint Genetics
Classification: Uncertain significance. Last evaluated: 2024-08-20. Review status: criteria provided, single submitter. Criteria: ACMG Guidelines, 2015. Collection method: clinical testing. Allele origin: germline.